The following is an entry in ClinVar:

NM_000069.3(CACNA1S):c.2505T>C (p.Phe835=)

Gene: CACNA1S (calcium voltage-gated channel subunit alpha1 S; minus strand). Cytogenetic location: 1q32.1.
Variant type: single nucleotide variant.
Coding change: c.2505T>C on transcript NM_000069.3 (MANE Select); coding-DNA position 2505, T replaced by C.
Protein change: p.Phe835=; no amino-acid change (phenylalanine 835 retained).
Molecular consequence: synonymous variant.
Genome position (GRCh38, 1-based): chr1:201,069,182, A>G on the plus strand (T>C on the coding strand, the complement: CACNA1S is on the minus strand). VCF-style: chr1-201069182-A-G. GRCh37 (hg19) VCF-style: chr1-201038310-A-G.
Identifiers: ClinVar variation 391764 (VCV000391764.11), dbSNP rs1057524226, ClinGen allele CA16603512.
Genomic context (GRCh38, chr1:201,069,182, plus strand): 5'-ACAGCCTTCACTCACCTTGAGGACAATCTCCACAGTGAAGACAGAGGTGAACCCGATGTC[A>G]AAGTGTTTAAGGATCTGGGGACAGGGCAGGGGCGGGAGCAGCCAGTGAGAGGAGGAGGGG-3'
Protein context (NP_000060.2, residues 825-845): DSMRNQILKH[Phe835=]DIGFTSVFTV

ClinVar aggregate classification (germline): Likely benign. Review status: criteria provided, multiple submitters, no conflicts (2 of 4 stars). 6 submissions from 3 submitters: Likely benign (6). Last evaluated 2023-04-11.

Conditions:
Hypokalemic periodic paralysis, type 1. Also called: Hypokalemic Periodic Paralysis Type 1 (AD); HypoPP. Identifiers: Orphanet 681, MedGen C3714580, MONDO:0042979, OMIM 170400.
Malignant hyperthermia, susceptibility to, 5 (MHS5). Also called: CACNA1S-Related Malignant Hyperthermia Susceptibility. Identifiers: Orphanet 423, MedGen C1866077, MONDO:0011163, OMIM 601887.
Congenital myopathy 18. Also called: DIHYDROPYRIDINE RECEPTOR CONGENITAL MYOPATHY; DHPR CONGENITAL MYOPATHY; Myopathy, congenital, due to dihydropyridine receptor defect. Identifiers: MedGen C5830283, MONDO:0859514, OMIM 620246.
Thyrotoxic periodic paralysis, susceptibility to, 1 (TTPP1). Identifiers: Orphanet 79102, MedGen C2749982, MONDO:0008570, OMIM 188580.

Allele frequency attached by ClinVar (database versions not stated): TOPMed below 0.00001.

Submissions (6):

Genome-Nilou Lab
Classification: Likely benign for Malignant hyperthermia, susceptibility to, 5. Last evaluated: 2023-04-11. Review status: criteria provided, single submitter. Criteria: ACMG Guidelines, 2015. Collection method: clinical testing. Allele origin: germline. Affected: no.

Genome-Nilou Lab
Classification: Likely benign for Thyrotoxic periodic paralysis, susceptibility to, 1. Last evaluated: 2023-04-11. Review status: criteria provided, single submitter. Criteria: ACMG Guidelines, 2015. Collection method: clinical testing. Allele origin: germline. Affected: no.

Genome-Nilou Lab
Classification: Likely benign for Congenital myopathy 18. Last evaluated: 2023-04-11. Review status: criteria provided, single submitter. Criteria: ACMG Guidelines, 2015. Collection method: clinical testing. Allele origin: germline. Affected: no.

Genome-Nilou Lab
Classification: Likely benign for Hypokalemic periodic paralysis, type 1. Last evaluated: 2023-04-11. Review status: criteria provided, single submitter. Criteria: ACMG Guidelines, 2015. Collection method: clinical testing. Allele origin: germline. Affected: no.

Labcorp Genetics (formerly Invitae), Labcorp
Classification: Likely benign for Hypokalemic periodic paralysis, type 1; Malignant hyperthermia, susceptibility to, 5. Last evaluated: 2022-09-11. Review status: criteria provided, single submitter. Criteria: Invitae Variant Classification Sherloc (09022015). Collection method: clinical testing. Allele origin: germline.

GeneDx
Classification: Likely benign. Last evaluated: 2016-12-15. Review status: criteria provided, single submitter. Criteria: GeneDx Variant Classification (06012015). Collection method: clinical testing. Allele origin: germline. Affected: yes.
Comment: This variant is considered likely benign or benign based on one or more of the following criteria: it is a conservative change, it occurs at a poorly conserved position in the protein, it is predicted to be benign by multiple in silico algorithms, and/or has population frequency not consistent with disease.